The following is an entry in ClinVar:

NM_001037.5(SCN1B):c.448+105G>C

Gene: SCN1B (sodium voltage-gated channel beta subunit 1; plus strand). Cytogenetic location: 19q13.11.
Variant type: single nucleotide variant.
Coding change: c.448+105G>C on transcript NM_001037.5 (MANE Select); 105 bases into the intron after coding-DNA position 448, G replaced by C.
Molecular consequence: intron variant. On other transcripts: missense variant (1).
Genome position (GRCh38, 1-based): chr19:35,033,844, G>C. VCF-style: chr19-35033844-G-C. GRCh37 (hg19) VCF-style: chr19-35524748-G-C.
Other names: c.553G>C, p.Ala185Pro (NM_199037.5); c.349+105G>C (NM_001321605.2); short protein forms A185P.
Identifiers: ClinVar variation 2830553 (VCV002830553.3), dbSNP rs1178572884, ClinGen allele CA405329294.
Genomic context (GRCh38, chr19:35,033,844, plus strand): 5'-GCCAGATGGAGGGACAGATGGCAGGCAGTGGACAGGACAGGCTGGCTCTGTGCCTGGCCA[G>C]CCAACCGCCCACAGCAGCGGGCTGAGGGGGAGGGGAGCAGCCCCTCCTGCCCACTCCAGC-3'

ClinVar aggregate classification (germline): Uncertain significance (1 of 4 stars; one submission).

Conditions:
Brugada syndrome 5 (BRGDA5). Identifiers: Orphanet 130, Orphanet 871, MedGen C2748541, MONDO:0013015, OMIM 612838.

Submission:

Labcorp Genetics (formerly Invitae), Labcorp
Classification: Uncertain significance for Brugada syndrome 5. Last evaluated: 2023-08-06. Review status: criteria provided, single submitter. Criteria: Invitae Variant Classification Sherloc (09022015). Collection method: clinical testing. Allele origin: germline.
Comment: This sequence change replaces alanine, which is neutral and non-polar, with proline, which is neutral and non-polar, at codon 185 of the SCN1B protein (p.Ala185Pro). This variant is not present in population databases (gnomAD no frequency). This variant has not been reported in the literature in individuals affected with SCN1B-related conditions. An algorithm developed to predict the effect of missense changes on protein structure and function (PolyPhen-2) suggests that this variant is likely to be tolerated. In summary, the available evidence is currently insufficient to determine the role of this variant in disease. Therefore, it has been classified as a Variant of Uncertain Significance.